The following is an entry in ClinVar:

ClinVar aggregate classification (germline): Likely benign (1 of 4 stars; one submission).

Allele frequency attached by ClinVar (database versions not stated): gnomAD 0.00001; gnomAD exomes 0.00003; TOPMed 0.00003.
gnomAD v4.1: 48 of 1,613,484 alleles (0.003%); highest among the groups gnomAD compares: East Asian, 0.02%; no homozygotes.

Submission:

GeneDx
Classification: Likely benign. Last evaluated: 2016-02-11. Review status: criteria provided, single submitter. Criteria: GeneDx Variant Classification (06012015). Collection method: clinical testing. Allele origin: germline. Affected: yes.
Comment: This variant is considered likely benign or benign based on one or more of the following criteria: it is a conservative change, it occurs at a poorly conserved position in the protein, it is predicted to be benign by multiple in silico algorithms, and/or has population frequency not consistent with disease.

NM_005609.4(PYGM):c.-15C>T

Gene: PYGM (glycogen phosphorylase, muscle associated; minus strand). Cytogenetic location: 11q13.1.
Variant type: single nucleotide variant.
Coding change: c.-15C>T on transcript NM_005609.4 (MANE Select); 15 bases upstream of the start codon, C replaced by T.
Molecular consequence: 5 prime UTR variant.
Genome position (GRCh38, 1-based): chr11:64,759,913, G>A on the plus strand (C>T on the coding strand, the complement: PYGM is on the minus strand). VCF-style: chr11-64759913-G-A. GRCh37 (hg19) VCF-style: chr11-64527385-G-A.
Other names: c.-15C>T (NM_001164716.1).
Identifiers: ClinVar variation 382596 (VCV000382596.1), dbSNP rs544636087, ClinGen allele CA6080402.